The following is an entry in ClinVar:

ClinVar aggregate classification (germline): Benign. Review status: reviewed by expert panel (3 of 4 stars). 10 submissions from 9 submitters: Benign (1). 9 of the submissions do not count toward it. Last evaluated 2024-04-03.

Conditions:
Severe combined immunodeficiency, autosomal recessive, T cell-negative, B cell-negative, NK cell-positive. Also called: Severe combined immunodeficiency due to complete RAG1/2 deficiency; SCID, T CELL-NEGATIVE, B CELL-NEGATIVE, NK CELL-POSITIVE; SCID, AR, T-cell negative, B-cell negative, NK cell-positive. Identifiers: Orphanet 331206, MedGen C1832322, MONDO:0011086, OMIM 601457.
Recombinase activating gene 2 deficiency. Also called: RAG2 deficiency. Identifiers: MedGen CN257931, MONDO:0000573.
Combined immunodeficiency with skin granulomas. Identifiers: Orphanet 157949, MedGen C2673536, MONDO:0009306, OMIM 233650.
Histiocytic medullary reticulosis. Also called: Omenn syndrome; SEVERE COMBINED IMMUNODEFICIENCY WITH HYPEREOSINOPHILIA. Identifiers: Orphanet 39041, MedGen C2700553, MONDO:0011338, OMIM 603554.

Allele frequency attached by ClinVar (database versions not stated): gnomAD exomes 0.00303 and 0.00827; ExAC 0.01009; gnomAD 0.03066 and 0.03307; 1000 Genomes Project 0.03355; TOPMed 0.03426; ESP Exome Variant Server 0.03485; 1000 Genomes Project 30x 0.03654.
gnomAD v4.1: 9,222 of 1,614,168 alleles (0.57%); highest among the groups gnomAD compares: African/African-American, 11%; 437 homozygotes.

Submissions (10):

ClinGen Severe Combined Immunodeficiency Variant Curation Expert Panel, ClinGen
Classification: Benign for Recombinase activating gene 2 deficiency. Last evaluated: 2024-04-03. Review status: reviewed by expert panel. Criteria: ClinGen SCID ACMG Specifications RAG2 V1.0.0. Collection method: curation. Allele origin: germline. Inheritance: Autosomal recessive inheritance.
Comment: The c.878A>G (NM_000536.4) variant in RAG2 is a missense variant predicted to cause the substitution of Glutamic Acid by Glycine at amino acid 293 (p.Glu293Gly). The filtering allele frequency (the lower threshold of the 95% CI of 7999/75012 alleles) of the c.878A>G variant in RAG2 is 0.1047 for African/African American chromosomes by gnomAD v4, which is higher than the ClinGen SCID VCEP threshold (>0.00872) for BA1, and therefore meets this criterion (BA1). Additionally, 437 adult homozygous occurrences are reported in gnomAD v4 (BS2_Supporting) In summary, this variant meets the criteria to be classified as Benign for autosomal recessive recombinase activating gene 2 deficiency based on the ACMG/AMP criteria applied, as specified by the ClinGen SCID VCEP: BA1 and BS2_Supporting. (VCEP specifications version 1)

Labcorp Genetics (formerly Invitae), Labcorp
Classification: Benign for Combined immunodeficiency with skin granulomas; Severe combined immunodeficiency, autosomal recessive, T cell-negative, B cell-negative, NK cell-positive. Last evaluated: 2026-02-02. Review status: criteria provided, single submitter. Criteria: Invitae Variant Classification Sherloc (09022015). Collection method: clinical testing. Allele origin: germline. Not counted in ClinVar's aggregate classification.

ARUP Laboratories, Molecular Genetics and Genomics, ARUP Laboratories
Classification: Benign. Last evaluated: 2025-07-08. Review status: criteria provided, single submitter. Criteria: ARUP Molecular Germline Variant Investigation Process 2024. Collection method: clinical testing. Allele origin: germline. Not counted in ClinVar's aggregate classification.

Mayo Clinic Laboratories, Mayo Clinic
Classification: Benign. Last evaluated: 2020-03-23. Review status: criteria provided, single submitter. Criteria: ACMG Guidelines, 2015. Collection method: clinical testing. Allele origin: germline. Observed: 6 variant alleles. Not counted in ClinVar's aggregate classification.

Illumina Laboratory Services, Illumina
Classification: Benign for Histiocytic medullary reticulosis. Last evaluated: 2018-01-13. Review status: criteria provided, single submitter. Criteria: ICSL Variant Classification Criteria 13 December 2019. Collection method: clinical testing. Allele origin: germline. Not counted in ClinVar's aggregate classification.
Comment: This variant was observed in the ICSL laboratory as part of a predisposition screen in an ostensibly healthy population. It had not been previously curated by ICSL or reported in the Human Gene Mutation Database (HGMD: prior to June 1st, 2018), and was therefore a candidate for classification through an automated scoring system. Utilizing variant allele frequency, disease prevalence and penetrance estimates, and inheritance mode, an automated score was calculated to assess if this variant is too frequent to cause the disease. Based on the score and internal cut-off values, a variant classified as benign is not then subjected to further curation. The score for this variant resulted in a classification of benign for this disease.

Illumina Laboratory Services, Illumina
Classification: Benign for Severe combined immunodeficiency, autosomal recessive, T cell-negative, B cell-negative, NK cell-positive. Last evaluated: 2018-01-13. Review status: criteria provided, single submitter. Criteria: ICSL Variant Classification Criteria 13 December 2019. Collection method: clinical testing. Allele origin: germline. Not counted in ClinVar's aggregate classification.
Comment: the same text as in the submission from Illumina Laboratory Services, Illumina above.

GeneDx
Classification: Benign. Last evaluated: 2015-03-03. Review status: criteria provided, single submitter. Criteria: GeneDx Variant Classification Process June 2021. Collection method: clinical testing. Allele origin: germline. Affected: yes. Not counted in ClinVar's aggregate classification.

Breakthrough Genomics
Classification: Benign. Review status: criteria provided, single submitter. Criteria: ACMG Guidelines, 2015. Collection method: not provided. Allele origin: germline. Inheritance: Autosomal recessive inheritance. Affected: yes. Not counted in ClinVar's aggregate classification.

PreventionGenetics, part of Exact Sciences
Classification: Benign. Review status: criteria provided, single submitter. Criteria: ACMG Guidelines, 2015. Collection method: clinical testing. Allele origin: germline. Not counted in ClinVar's aggregate classification.

Natera, Inc.
Classification: Benign for Omenn syndrome. Last evaluated: 2020-09-16. Review status: no assertion criteria provided. Collection method: clinical testing. Allele origin: germline. Not counted in ClinVar's aggregate classification.

NM_000536.4(RAG2):c.878A>G (p.Glu293Gly)

Gene: RAG2 (recombination activating 2; minus strand). Cytogenetic location: 11p12.
Variant type: single nucleotide variant.
Coding change: c.878A>G on transcript NM_000536.4 (MANE Select); coding-DNA position 878, A replaced by G.
Protein change: p.Glu293Gly; replaces glutamic acid 293 with glycine.
Molecular consequence: missense variant.
Genome position (GRCh38, 1-based): chr11:36,593,291, T>C on the plus strand (A>G on the coding strand, the complement: RAG2 is on the minus strand). VCF-style: chr11-36593291-T-C. GRCh37 (hg19) VCF-style: chr11-36614841-T-C.
Other names: NM_000536.4(RAG2):c.878A>G; c.878A>G, p.Glu293Gly (NM_001243785.2, NM_001243786.2); short protein forms E293G.
Identifiers: ClinVar variation 256378 (VCV000256378.31), dbSNP rs16929093, ClinGen allele CA5950510.
Genomic context (GRCh38, chr11:36,593,291, plus strand): 5'-TGCTTAATGTCTGGGGTCCAATCTGGGGTCTCCATCTCACGAATTTCTATCTTGTTGTCC[T>C]CTAAAGAGATGATGTTGCAGATCATTCTTTTTTGATTTTCAAGCTGATAGCCACCAACAA-3'
Protein context (NP_000527.2, residues 283-303): KRMICNIISL[Glu293Gly]DNKIEIREME